The following is an entry in ClinVar:

ClinVar aggregate classification (germline): Uncertain significance (1 of 4 stars; one submission).

Conditions:
COG5-congenital disorder of glycosylation. Also called: CONGENITAL DISORDER OF GLYCOSYLATION, TYPE IIi; COG5-CDG; CDG IIi. Identifiers: Orphanet 263487, MedGen C3150876, MONDO:0013325, OMIM 613612.

Allele frequency attached by ClinVar (database versions not stated): gnomAD exomes below 0.00001; ExAC 0.00001; gnomAD 0.00001; TOPMed 0.00001.
gnomAD v4.1: 3 of 1,613,726 alleles (0.00019%); highest among the groups gnomAD compares: Non-Finnish European, 0.00025%; no homozygotes.

Submission:

Labcorp Genetics (formerly Invitae), Labcorp
Classification: Uncertain significance for COG5-congenital disorder of glycosylation. Last evaluated: 2022-06-27. Review status: criteria provided, single submitter. Criteria: Invitae Variant Classification Sherloc (09022015). Collection method: clinical testing. Allele origin: germline.
Comment: This sequence change replaces valine, which is neutral and non-polar, with glycine, which is neutral and non-polar, at codon 448 of the COG5 protein (p.Val448Gly). This variant is present in population databases (rs773761601, gnomAD 0.0009%). This variant has not been reported in the literature in individuals affected with COG5-related conditions. Algorithms developed to predict the effect of missense changes on protein structure and function are either unavailable or do not agree on the potential impact of this missense change (SIFT: "Deleterious"; PolyPhen-2: "Benign"; Align-GVGD: "Class C0"). Algorithms developed to predict the effect of sequence changes on RNA splicing suggest that this variant may create or strengthen a splice site. In summary, the available evidence is currently insufficient to determine the role of this variant in disease. Therefore, it has been classified as a Variant of Uncertain Significance.

NM_006348.5(COG5):c.1250T>G (p.Val417Gly)

Gene: COG5 (component of oligomeric golgi complex 5; minus strand). Cytogenetic location: 7q22.3.
Variant type: single nucleotide variant.
Coding change: c.1250T>G on transcript NM_006348.5 (MANE Select); coding-DNA position 1250, T replaced by G.
Protein change: p.Val417Gly; replaces valine 417 with glycine.
Molecular consequence: missense variant.
Genome position (GRCh38, 1-based): chr7:107,298,205, A>C on the plus strand (T>G on the coding strand, the complement: COG5 is on the minus strand). VCF-style: chr7-107298205-A-C. GRCh37 (hg19) VCF-style: chr7-106938650-A-C.
Other names: c.1250T>G, p.Val417Gly (NM_001161520.2, NM_001379511.1, NM_001379512.1 and 3 more transcripts); c.680T>G, p.Val227Gly (NM_001379515.1); c.536T>G, p.Val179Gly (NM_001379516.1); short protein forms V227G, V179G, V417G.
Identifiers: ClinVar variation 1523832 (VCV001523832.3), dbSNP rs773761601, ClinGen allele CA4430970.
Genomic context (GRCh38, chr7:107,298,205, plus strand): 5'-TAATCTGGCTTTTTTGGTATGAATATATCTTGTGCATCATCTTCCATGTGTTGTAGGTCA[A>C]CATAGAGGTCTGTAGTTCCACTTGCATTAAAATTCCCTTGGATATGCTGACTGTATTGTT-3'
Protein context (NP_006339.4, residues 407-427): FNASGTTDLY[Val417Gly]DLQHMEDDAQ